The following is an entry in ClinVar:

NM_006947.4(SRP72):c.206A>G (p.Asn69Ser)

Gene: SRP72 (signal recognition particle 72; plus strand). Cytogenetic location: 4q12.
Variant type: single nucleotide variant.
Coding change: c.206A>G on transcript NM_006947.4 (MANE Select); coding-DNA position 206, A replaced by G.
Protein change: p.Asn69Ser; replaces asparagine 69 with serine.
Molecular consequence: missense variant. On other transcripts: non-coding transcript variant (1).
Genome position (GRCh38, 1-based): chr4:56,469,749, A>G. VCF-style: chr4-56469749-A-G. GRCh37 (hg19) VCF-style: chr4-57335915-A-G.
Other names: c.206A>G, p.Asn69Ser (NM_001267722.2); short protein forms N69S.
Identifiers: ClinVar variation 2578103 (VCV002578103.5), dbSNP rs746409282, ClinGen allele CA97583687.
Genomic context (GRCh38, chr4:56,469,749, plus strand): 5'-ATTGTAAAGTGGTATGCCTTATCCAGAATGGAAGTTTCAAGGAAGCTTTGAATGTCATCA[A>G]TACTCACACCAAAGTGTTAGCCAAGTAAGTGATTCAGTTAGTTGCTTGTACAGTTATTAG-3'
Protein context (NP_008878.3, residues 59-79): GSFKEALNVI[Asn69Ser]THTKVLANNS

ClinVar aggregate classification (germline): Uncertain significance. Review status: criteria provided, multiple submitters, no conflicts (2 of 4 stars). 3 submissions from 3 submitters: Uncertain significance (3). Last evaluated 2025-07-20.

Allele frequency attached by ClinVar (database versions not stated): gnomAD exomes below 0.00001; gnomAD 0.00001; TOPMed 0.00001.
gnomAD v4.1: 5 of 1,611,280 alleles (0.00031%); highest among the groups gnomAD compares: African/African-American, 0.0013%; no homozygotes.

Submissions (3):

Ambry Genetics
Classification: Uncertain significance. Last evaluated: 2025-07-20. Review status: criteria provided, single submitter. Criteria: Ambry Variant Classification Scheme 2023. Collection method: clinical testing. Allele origin: germline.
Comment: The p.N69S variant (also known as c.206A>G), located in coding exon 2 of the SRP72 gene, results from an A to G substitution at nucleotide position 206. The asparagine at codon 69 is replaced by serine, an amino acid with highly similar properties. This amino acid position is conserved. In addition, this alteration is predicted to be tolerated by in silico analysis. Based on the available evidence, the clinical significance of this variant remains unclear.

Labcorp Genetics (formerly Invitae), Labcorp
Classification: Uncertain significance. Last evaluated: 2023-10-14. Review status: criteria provided, single submitter. Criteria: Invitae Variant Classification Sherloc (09022015). Collection method: clinical testing. Allele origin: germline.
Comment: This sequence change replaces asparagine, which is neutral and polar, with serine, which is neutral and polar, at codon 69 of the SRP72 protein (p.Asn69Ser). This variant is present in population databases (rs746409282, gnomAD 0.01%). This variant has not been reported in the literature in individuals affected with SRP72-related conditions. ClinVar contains an entry for this variant (Variation ID: 2578103). Advanced modeling of protein sequence and biophysical properties (such as structural, functional, and spatial information, amino acid conservation, physicochemical variation, residue mobility, and thermodynamic stability) performed at Invitae indicates that this missense variant is not expected to disrupt SRP72 protein function. In summary, the available evidence is currently insufficient to determine the role of this variant in disease. Therefore, it has been classified as a Variant of Uncertain Significance.

GeneDx
Classification: Uncertain significance. Last evaluated: 2023-03-02. Review status: criteria provided, single submitter. Criteria: GeneDx Variant Classification Process June 2021. Collection method: clinical testing. Allele origin: germline. Affected: yes.
Comment: Not observed at significant frequency in large population cohorts (gnomAD); In silico analysis supports that this missense variant does not alter protein structure/function; Has not been previously published as pathogenic or benign to our knowledge; This variant is associated with the following publications: (PMID: 28369529, 27899666)